The following is an entry in ClinVar:

NM_000081.4(LYST):c.6812A>T (p.Asp2271Val)

Gene: LYST (lysosomal trafficking regulator; minus strand). Cytogenetic location: 1q42.3.
Variant type: single nucleotide variant.
Coding change: c.6812A>T on transcript NM_000081.4 (MANE Select); coding-DNA position 6812, A replaced by T.
Protein change: p.Asp2271Val; replaces aspartic acid 2271 with valine.
Molecular consequence: missense variant.
Genome position (GRCh38, 1-based): chr1:235,759,041, T>A on the plus strand (A>T on the coding strand, the complement: LYST is on the minus strand). VCF-style: chr1-235759041-T-A. GRCh37 (hg19) VCF-style: chr1-235922341-T-A.
Other names: c.6812A>T, p.Asp2271Val (NM_001301365.1); short protein forms D2271V.
Identifiers: ClinVar variation 1935690 (VCV001935690.5), dbSNP rs112601869, ClinGen allele CA344939214.

ClinVar aggregate classification (germline): Uncertain significance (1 of 4 stars; one submission).

Conditions:
Chédiak-Higashi syndrome (CHS). Also called: Chediak-Higashi Syndrome. Identifiers: Orphanet 167, MedGen C0007965, MONDO:0008963, OMIM 214500.

gnomAD v4.1: 2 of 1,614,082 alleles (0.00012%); highest among the groups gnomAD compares: Admixed American, 0.0033%; no homozygotes.

Submission:

Labcorp Genetics (formerly Invitae), Labcorp
Classification: Uncertain significance for Chédiak-Higashi syndrome. Last evaluated: 2024-01-08. Review status: criteria provided, single submitter. Criteria: Invitae Variant Classification Sherloc (09022015). Collection method: clinical testing. Allele origin: germline.
Comment: This sequence change replaces aspartic acid, which is acidic and polar, with valine, which is neutral and non-polar, at codon 2271 of the LYST protein (p.Asp2271Val). This variant is not present in population databases (gnomAD no frequency). This variant has not been reported in the literature in individuals affected with LYST-related conditions. ClinVar contains an entry for this variant (Variation ID: 1935690). Advanced modeling of protein sequence and biophysical properties (such as structural, functional, and spatial information, amino acid conservation, physicochemical variation, residue mobility, and thermodynamic stability) performed at Invitae indicates that this missense variant is not expected to disrupt LYST protein function with a negative predictive value of 80%. In summary, the available evidence is currently insufficient to determine the role of this variant in disease. Therefore, it has been classified as a Variant of Uncertain Significance.